The following is an entry in ClinVar:

ClinVar aggregate classification (germline): Uncertain significance. Review status: criteria provided, multiple submitters, no conflicts (2 of 4 stars). 2 submissions from 2 submitters: Uncertain significance (2). Last evaluated 2025-08-20.

gnomAD v4.1: 23 of 1,613,834 alleles (0.0014%); highest among the groups gnomAD compares: Non-Finnish European, 0.0017%; no homozygotes.

Submissions (2):

Ambry Genetics
Classification: Uncertain significance. Last evaluated: 2025-08-20. Review status: criteria provided, single submitter. Criteria: Ambry Variant Classification Scheme 2023. Collection method: clinical testing. Allele origin: germline.

Labcorp Genetics (formerly Invitae), Labcorp
Classification: Uncertain significance. Last evaluated: 2025-01-05. Review status: criteria provided, single submitter. Criteria: Invitae Variant Classification Sherloc (09022015). Collection method: clinical testing. Allele origin: germline.
Comment: This sequence change replaces arginine, which is basic and polar, with histidine, which is basic and polar, at codon 336 of the RELA protein (p.Arg336His). This variant is present in population databases (no rsID available, gnomAD 0.03%). This variant has not been reported in the literature in individuals affected with RELA-related conditions. An algorithm developed to predict the effect of missense changes on protein structure and function (PolyPhen-2) suggests that this variant is likely to be disruptive. In summary, the available evidence is currently insufficient to determine the role of this variant in disease. Therefore, it has been classified as a Variant of Uncertain Significance.

NM_021975.4(RELA):c.1007G>A (p.Arg336His)

Gene: RELA (RELA proto-oncogene, NF-kB subunit; minus strand). Cytogenetic location: 11q13.1.
Variant type: single nucleotide variant.
Coding change: c.1007G>A on transcript NM_021975.4 (MANE Select); coding-DNA position 1007, G replaced by A.
Protein change: p.Arg336His; replaces arginine 336 with histidine.
Molecular consequence: missense variant.
Genome position (GRCh38, 1-based): chr11:65,655,714, C>T on the plus strand (G>A on the coding strand, the complement: RELA is on the minus strand). VCF-style: chr11-65655714-C-T. GRCh37 (hg19) VCF-style: chr11-65423185-C-T.
Other names: c.1007G>A (NM_021975.3); c.998G>A, p.Arg333His (NM_001145138.2); c.1007G>A, p.Arg336His (NM_001243984.2, NM_001243985.2); c.1040G>A, p.Arg347His (NM_001404657.1); c.980G>A, p.Arg327His (NM_001404658.1); c.794G>A, p.Arg265His (NM_001404659.1); c.689G>A, p.Arg230His (NM_001404660.1); c.626G>A, p.Arg209His (NM_001404661.1); and 1 more; short protein forms R305H, R347H, R327H, R333H, R209H, R230H, R265H, R336H.
Identifiers: ClinVar variation 3709897 (VCV003709897.3).